The following is an entry in ClinVar:

ClinVar aggregate classification (germline): Pathogenic (1 of 4 stars; one submission).

Submission:

Labcorp Genetics (formerly Invitae), Labcorp
Classification: Pathogenic. Last evaluated: 2022-03-23. Review status: criteria provided, single submitter. Criteria: Invitae Variant Classification Sherloc (09022015). Collection method: clinical testing. Allele origin: germline.
Comment: This variant is not present in population databases (gnomAD no frequency). This sequence change creates a premature translational stop signal (p.Lys480Serfs*17) in the ABCC8 gene. It is expected to result in an absent or disrupted protein product. Loss-of-function variants in ABCC8 are known to be pathogenic (PMID: 20685672, 23345197). This variant has not been reported in the literature in individuals affected with ABCC8-related conditions. For these reasons, this variant has been classified as Pathogenic.

Literature cited by the submitters: PubMed 20685672; PubMed 23345197.

NM_000352.6(ABCC8):c.1437del (p.Lys480fs)

Gene: ABCC8 (ATP binding cassette subfamily C member 8; minus strand). Cytogenetic location: 11p15.1.
Variant type: Deletion.
Coding change: c.1437del on transcript NM_000352.6 (MANE Select); coding-DNA position 1437, one base deleted (C; older notation c.1437delC).
Protein change: p.Lys480fs; shifts the reading frame from lysine 480.
Molecular consequence: frameshift variant. On other transcripts: non-coding transcript variant (1).
Genome position (GRCh38, 1-based): chr11:17,443,208, G deleted on the plus strand (C on the coding strand, the reverse complement: ABCC8 is on the minus strand); the first of 2 consecutive G bases (chr11:17,443,208-17,443,209); deleting either gives the same sequence. VCF-style (leftmost placement, unchanged base first): chr11-17443207-TG-T. GRCh37 (hg19) VCF-style: chr11-17464754-TG-T.
Other names: c.1437del, p.Lys480fs (NM_001287174.3, NM_001351295.2); c.1434del, p.Lys479fs (NM_001351296.2, NM_001351297.2); short protein forms K479fs, K480fs.
Identifiers: ClinVar variation 2115975 (VCV002115975.4), dbSNP rs2496755478, ClinGen allele CA2580082751.